The following is an entry in ClinVar:

ClinVar aggregate classification (germline): Likely benign (0 of 4 stars; one submission).

Conditions:
ANOS1-related disorder. Also called: ANOS1-related condition.

gnomAD v4.1: 2 of 1,210,011 alleles (0.00017%); highest among the groups gnomAD compares: Admixed American, 0.0022%; no homozygotes.

Submission:

PreventionGenetics, part of Exact Sciences
Classification: Likely benign for ANOS1-related condition. Last evaluated: 2023-04-20. Review status: no assertion criteria provided. Collection method: clinical testing. Allele origin: germline.
Comment: This variant is classified as likely benign based on ACMG/AMP sequence variant interpretation guidelines (Richards et al. 2015 PMID: 25741868, with internal and published modifications).

NM_000216.4(ANOS1):c.585G>A (p.Leu195=)

Gene: ANOS1 (anosmin 1; minus strand). Cytogenetic location: Xp22.31.
Variant type: single nucleotide variant.
Coding change: c.585G>A on transcript NM_000216.4 (MANE Select); coding-DNA position 585, G replaced by A.
Protein change: p.Leu195=; no amino-acid change (leucine 195 retained).
Molecular consequence: synonymous variant.
Genome position (GRCh38, 1-based): chrX:8,587,935, C>T on the plus strand (G>A on the coding strand, the complement: ANOS1 is on the minus strand). VCF-style: chrX-8587935-C-T. GRCh37 (hg19) VCF-style: chrX-8555976-C-T.
Identifiers: ClinVar variation 3054078 (VCV003054078.2), dbSNP rs747828250, ClinGen allele CA515171777.